The following is an entry in ClinVar:

ClinVar aggregate classification (germline): Uncertain significance (1 of 4 stars; one submission).

Conditions:
Perlman syndrome (PRLMNS). Identifiers: Orphanet 2849, MedGen C0796113, MONDO:0009965, OMIM 267000.

Allele frequency attached by ClinVar (database versions not stated): gnomAD exomes below 0.00001.
gnomAD v4.1: 2 of 1,613,664 alleles (0.00012%); highest among the groups gnomAD compares: Non-Finnish European, 0.00017%; no homozygotes.

Submission:

Labcorp Genetics (formerly Invitae), Labcorp
Classification: Uncertain significance for Perlman syndrome. Last evaluated: 2023-07-30. Review status: criteria provided, single submitter. Criteria: Invitae Variant Classification Sherloc (09022015). Collection method: clinical testing. Allele origin: germline.
Comment: This variant has not been reported in the literature in individuals affected with DIS3L2-related conditions. This variant is not present in population databases (gnomAD no frequency). This sequence change replaces alanine, which is neutral and non-polar, with valine, which is neutral and non-polar, at codon 656 of the DIS3L2 protein (p.Ala656Val). Advanced modeling of protein sequence and biophysical properties (such as structural, functional, and spatial information, amino acid conservation, physicochemical variation, residue mobility, and thermodynamic stability) performed at Invitae indicates that this missense variant is not expected to disrupt DIS3L2 protein function. In summary, the available evidence is currently insufficient to determine the role of this variant in disease. Therefore, it has been classified as a Variant of Uncertain Significance.

NM_152383.5(DIS3L2):c.1967C>T (p.Ala656Val)

Gene: DIS3L2 (DIS3 like 3'-5' exoribonuclease 2; plus strand). Cytogenetic location: 2q37.1.
Variant type: single nucleotide variant.
Coding change: c.1967C>T on transcript NM_152383.5 (MANE Select); coding-DNA position 1967, C replaced by T.
Protein change: p.Ala656Val; replaces alanine 656 with valine.
Molecular consequence: missense variant. On other transcripts: non-coding transcript variant (2), intron variant (1).
Genome position (GRCh38, 1-based): chr2:232,330,733, C>T. VCF-style: chr2-232330733-C-T. GRCh37 (hg19) VCF-style: chr2-233195443-C-T.
Other names: c.1582-12612C>T (NM_001257281.2); short protein forms A656V.
Identifiers: ClinVar variation 2731070 (VCV002731070.3), dbSNP rs2469436673, ClinGen allele CA350976638.